The following is an entry in ClinVar:

NM_005853.6(IRX5):c.681G>T (p.Ser227=)

Gene: IRX5 (iroquois homeobox 5; plus strand). Cytogenetic location: 16q12.2.
Variant type: single nucleotide variant.
Coding change: c.681G>T on transcript NM_005853.6 (MANE Select); coding-DNA position 681, G replaced by T.
Protein change: p.Ser227=; no amino-acid change (serine 227 retained).
Molecular consequence: synonymous variant.
Genome position (GRCh38, 1-based): chr16:54,933,102, G>T. VCF-style: chr16-54933102-G-T. GRCh37 (hg19) VCF-style: chr16-54967014-G-T.
Other names: c.678G>T, p.Ser226= (NM_001252197.1).
Identifiers: ClinVar variation 2646534 (VCV002646534.24), dbSNP rs139113918, ClinGen allele CA8059262.
Genomic context (GRCh38, chr16:54,933,102, plus strand): 5'-CTCTGCGCCCCTGACAGCCTGGGTTTCGCCCGCAGGAGGAGCTGAGCAGAAGGCGGCTTC[G>T]GGCTGCGAACGGCTTCAGGGACCACCCACCCCTGCAGGCAAGGAGACGGAGGGCAGCCTC-3'
Protein context (NP_005844.4, residues 217-237): EAGGAEQKAA[Ser227=]GCERLQGPPT

ClinVar aggregate classification (germline): Likely benign (1 of 4 stars; one submission).

gnomAD v4.1: 9 of 1,591,666 alleles (0.00057%); highest among the groups gnomAD compares: Non-Finnish European, 0.0006%; no homozygotes.

Submission:

CeGaT Center for Human Genetics Tuebingen
Classification: Likely benign. Last evaluated: 2023-07-01. Review status: criteria provided, single submitter. Criteria: CeGaT Center For Human Genetics Tuebingen Variant Classification Criteria Version 2. Collection method: clinical testing. Allele origin: germline. Affected: yes. Observed: 1 variant allele.
Comment: IRX5: BP4, BP7